The following is an entry in ClinVar:

NM_001142864.4(PIEZO1):c.284-8_284-5del

Gene: PIEZO1 (piezo type mechanosensitive ion channel component 1 (Er blood group); minus strand). Cytogenetic location: 16q24.3.
Variant type: Deletion.
Coding change: c.284-8_284-5del on transcript NM_001142864.4 (MANE Select); 8 bases into the intron before coding-DNA position 284 through 5 bases into the intron before coding-DNA position 284, 4 bases deleted (CTCT; older notation c.284-8_284-5delCTCT).
Molecular consequence: intron variant.
Genome position (GRCh38, 1-based): chr16:88,742,100-88,742,103, AGAG deleted on the plus strand (CTCT on the coding strand, the reverse complement: PIEZO1 is on the minus strand); deleting any 4 consecutive bases within chr16:88,742,100-88,742,104 gives the same sequence; the c. name uses the placement nearest the transcript's 3' end. VCF-style (leftmost placement, unchanged base first): chr16-88742099-CAGAG-C. GRCh37 (hg19) VCF-style: chr16-88808507-CAGAG-C.
Identifiers: ClinVar variation 3055477 (VCV003055477.2), dbSNP rs1905716966, ClinGen allele CA980335655.

ClinVar aggregate classification (germline): Likely benign (0 of 4 stars; one submission).

Conditions:
PIEZO1-related disorder. Also called: PIEZO1-related condition; PIEZO1-Related Disorders.

Submission:

PreventionGenetics, part of Exact Sciences
Classification: Likely benign for PIEZO1-related condition. Last evaluated: 2023-08-11. Review status: no assertion criteria provided. Collection method: clinical testing. Allele origin: germline.
Comment: This variant is classified as likely benign based on ACMG/AMP sequence variant interpretation guidelines (Richards et al. 2015 PMID: 25741868, with internal and published modifications).